The following is an entry in ClinVar:

ClinVar aggregate classification (germline): Uncertain significance (1 of 4 stars; one submission).

Allele frequency attached by ClinVar (database versions not stated): TOPMed below 0.00001.
gnomAD v4.1: 1 of 1,614,206 alleles (0.000062%); highest among the groups gnomAD compares: Non-Finnish European, 0.000085%; no homozygotes.

Submission:

GeneDx
Classification: Uncertain significance. Last evaluated: 2019-08-13. Review status: criteria provided, single submitter. Criteria: GeneDx Variant Classification Process June 2021. Collection method: clinical testing. Allele origin: germline. Affected: yes.
Comment: Not observed in large population cohorts (Lek et al., 2016); In silico analysis, which includes protein predictors and evolutionary conservation, supports that this variant does not alter protein structure/function; Has not been previously published as pathogenic or benign to our knowledge

NM_001112741.2(KCNC1):c.1423G>A (p.Val475Ile)

Gene: KCNC1 (potassium voltage-gated channel subfamily C member 1; plus strand). Cytogenetic location: 11p15.1.
Variant type: single nucleotide variant.
Coding change: c.1423G>A on transcript NM_001112741.2 (MANE Select); coding-DNA position 1423, G replaced by A.
Protein change: p.Val475Ile; replaces valine 475 with isoleucine.
Molecular consequence: missense variant.
Genome position (GRCh38, 1-based): chr11:17,772,517, G>A. VCF-style: chr11-17772517-G-A. GRCh37 (hg19) VCF-style: chr11-17794064-G-A.
Other names: c.1423G>A, p.Val475Ile (NM_004976.4); short protein forms V475I.
Identifiers: ClinVar variation 1307853 (VCV001307853.2), dbSNP rs1263054774, ClinGen allele CA379810126.
Genomic context (GRCh38, chr11:17,772,517, plus strand): 5'-AAAAAAAAGAAGCATATTCCGCGGCCACCGCAGCTGGGATCTCCCAATTATTGTAAATCT[G>A]TCGTAAACTCTCCACACCACAGTACTCAGAGTGACACATGTCCGCTGGCCCAGGAAGAAA-3'
Protein context (NP_001106212.1, residues 465-485): QLGSPNYCKS[Val475Ile]VNSPHHSTQS